The following is an entry in ClinVar:

ClinVar aggregate classification (germline): Uncertain significance. Review status: criteria provided, multiple submitters, no conflicts (2 of 4 stars). 2 submissions from 2 submitters: Uncertain significance (2). Last evaluated 2023-07-19.

Allele frequency attached by ClinVar (database versions not stated): TOPMed 0.00001.
gnomAD v4.1: 2 of 1,213,868 alleles (0.00016%); highest among the groups gnomAD compares: East Asian, 0.0069%; no homozygotes.

Submissions (2):

Ambry Genetics
Classification: Uncertain significance. Last evaluated: 2023-07-19. Review status: criteria provided, single submitter. Criteria: Ambry Variant Classification Scheme 2023. Collection method: clinical testing. Allele origin: germline.

Labcorp Genetics (formerly Invitae), Labcorp
Classification: Uncertain significance. Last evaluated: 2022-10-17. Review status: criteria provided, single submitter. Criteria: Invitae Variant Classification Sherloc (09022015). Collection method: clinical testing. Allele origin: germline.
Comment: This sequence change replaces glutamic acid, which is acidic and polar, with lysine, which is basic and polar, at codon 85 of the CTF1 protein (p.Glu85Lys). The frequency data for this variant in the population databases is considered unreliable, as metrics indicate insufficient coverage at this position in the gnomAD database. This variant has not been reported in the literature in individuals affected with CTF1-related conditions. ClinVar contains an entry for this variant (Variation ID: 1001974). Algorithms developed to predict the effect of missense changes on protein structure and function are either unavailable or do not agree on the potential impact of this missense change (SIFT: "Deleterious"; PolyPhen-2: "Probably Damaging"; Align-GVGD: "Class C15"). In summary, the available evidence is currently insufficient to determine the role of this variant in disease. Therefore, it has been classified as a Variant of Uncertain Significance.

NM_001330.5(CTF1):c.253G>A (p.Glu85Lys)

Genes: CTF1 (cardiotrophin 1; plus strand), LOC130058878 (ATAC-STARR-seq lymphoblastoid silent region 7400; plus strand). Cytogenetic location: 16p11.2.
Variant type: single nucleotide variant.
Coding change: c.253G>A on transcript NM_001330.5 (MANE Select); coding-DNA position 253, G replaced by A.
Protein change: p.Glu85Lys; replaces glutamic acid 85 with lysine.
Molecular consequence: missense variant. On other transcripts: non-coding transcript variant (1).
Genome position (GRCh38, 1-based): chr16:30,902,186, G>A. VCF-style: chr16-30902186-G-A. GRCh37 (hg19) VCF-style: chr16-30913507-G-A.
Other names: c.250G>A, p.Glu84Lys (NM_001142544.3); c.253G>A (NM_001330.3); short protein forms E84K, E85K.
Identifiers: ClinVar variation 1001974 (VCV001001974.11), dbSNP rs1489208133, ClinGen allele CA395618602.